The following is an entry in ClinVar:

NM_001276309.3(NOL3):c.475_528del (p.Ala159_Glu176del)

Gene: NOL3 (nucleolar protein 3; plus strand). Cytogenetic location: 16q22.1.
Variant type: Deletion.
Coding change: c.475_528del on transcript NM_001276309.3 (MANE Select); coding-DNA positions 475 to 528, 54 bases deleted.
Protein change: p.Ala159_Glu176del.
Molecular consequence: inframe deletion.
Genome position (GRCh38, 1-based): chr16:67,174,800-67,174,853, 54 bases deleted. GRCh37 (hg19): chr16:67,208,703-67,208,756.
Other names: c.465_518del, p.Lys155_Trp172del (NM_001185057.3, NM_001394977.1, NM_001394978.1); c.475_528del, p.Ala159_Glu176del (NM_001276307.3, NM_001276312.3, NM_001394973.1 and 2 more transcripts); c.351_404del, p.Lys117_Trp134del (NM_001276311.2, NM_001394974.1, NM_001394975.1 and 1 more transcripts).
Identifiers: ClinVar variation 1804754 (VCV001804754.2), dbSNP rs1567676897, ClinGen allele CA8102370.

ClinVar aggregate classification (germline): Uncertain significance (1 of 4 stars; one submission).

Submission:

Women's Health and Genetics/Laboratory Corporation of America, LabCorp
Classification: Uncertain significance. Last evaluated: 2022-11-09. Review status: criteria provided, single submitter. Criteria: LabCorp Variant Classification Summary - May 2015. Collection method: clinical testing. Allele origin: germline.
Comment: Variant summary: NOL3 c.475_528del54 (p.Ala159_Glu176del) results in an in-frame deletion that is predicted to remove 18 amino acids from the encoded protein. The variant allele was found at a frequency of 6e-05 in 231580 control chromosomes (gnomAD). To our knowledge, no occurrence of c.475_528del54 in individuals affected with Myoclonus, Familial, 1 and no experimental evidence demonstrating its impact on protein function have been reported. No clinical diagnostic laboratories have submitted clinical-significance assessments for this variant to ClinVar after 2014. Based on the evidence outlined above, the variant was classified as uncertain significance.